The following is an entry in ClinVar:

ClinVar aggregate classification (germline): Benign/Likely benign. Review status: criteria provided, multiple submitters, no conflicts (2 of 4 stars). 4 submissions from 4 submitters: Benign (2); Likely benign (2). Last evaluated 2025-11-19.

Conditions:
Vesicoureteral reflux 2 (VUR2). Identifiers: Orphanet 289365, MedGen C1970483, MONDO:0012573, OMIM 610878.

Allele frequency attached by ClinVar (database versions not stated): ESP Exome Variant Server 0.00008; TOPMed 0.00013; gnomAD exomes 0.00041 and 0.00063; gnomAD 0.00045 and 0.00047; ExAC 0.00055.
gnomAD v4.1: 675 of 1,613,908 alleles (0.042%); highest among the groups gnomAD compares: East Asian, 0.16%; 2 homozygotes.

Submissions (4):

Labcorp Genetics (formerly Invitae), Labcorp
Classification: Benign. Last evaluated: 2025-11-19. Review status: criteria provided, single submitter. Criteria: Invitae Variant Classification Sherloc (09022015). Collection method: clinical testing. Allele origin: germline.

Blueprint Genetics
Classification: Likely benign. Last evaluated: 2024-11-06. Review status: criteria provided, single submitter. Criteria: ACMG Guidelines, 2015. Collection method: clinical testing. Allele origin: germline.

Fulgent Genetics
Classification: Likely benign for Vesicoureteral reflux 2. Last evaluated: 2021-10-19. Review status: criteria provided, single submitter. Criteria: ACMG Guidelines, 2015. Collection method: clinical testing. Allele origin: unknown.

Illumina Laboratory Services, Illumina
Classification: Benign for Vesicoureteral reflux 2. Last evaluated: 2018-01-13. Review status: criteria provided, single submitter. Criteria: ICSL Variant Classification Criteria 13 December 2019. Collection method: clinical testing. Allele origin: germline.
Comment: This variant was observed in the ICSL laboratory as part of a predisposition screen in an ostensibly healthy population. It had not been previously curated by ICSL or reported in the Human Gene Mutation Database (HGMD: prior to June 1st, 2018), and was therefore a candidate for classification through an automated scoring system. Utilizing variant allele frequency, disease prevalence and penetrance estimates, and inheritance mode, an automated score was calculated to assess if this variant is too frequent to cause the disease. Based on the score and internal cut-off values, a variant classified as benign is not then subjected to further curation. The score for this variant resulted in a classification of benign for this disease.

NM_001395656.1(ROBO2):c.462C>T (p.Cys154=)

Gene: ROBO2 (roundabout guidance receptor 2; plus strand). Cytogenetic location: 3p12.3.
Variant type: single nucleotide variant.
Coding change: c.462C>T on transcript NM_001395656.1 (MANE Select); coding-DNA position 462, C replaced by T.
Protein change: p.Cys154=; no amino-acid change (cysteine 154 retained).
Molecular consequence: synonymous variant. On other transcripts: 5 prime UTR variant (1).
Genome position (GRCh38, 1-based): chr3:77,477,487, C>T. VCF-style: chr3-77477487-C-T. GRCh37 (hg19) VCF-style: chr3-77526638-C-T.
Other names: c.510C>T, p.Cys170= (NM_001128929.3, NM_001378190.1, NM_001378191.1 and 5 more transcripts); c.462C>T, p.Cys154= (NM_001290039.2, NM_001290040.2, NM_001378193.1 and 3 more transcripts); c.-1457C>T (NM_001290065.2); c.531C>T, p.Cys177= (NM_001378192.1, NM_001378194.1, NM_001378198.1 and 5 more transcripts).
Identifiers: ClinVar variation 346676 (VCV000346676.9), dbSNP rs200353960, ClinGen allele CA2496732.